The following is an entry in ClinVar:

ClinVar aggregate classification (germline): Pathogenic/Likely pathogenic. Review status: criteria provided, multiple submitters, no conflicts (2 of 4 stars). 7 submissions from 7 submitters: Pathogenic (6); Likely pathogenic (1). Last evaluated 2025-08-29.

Conditions:
Hypophosphatasia. Also called: Phosphoethanol-aminuria. Identifiers: Orphanet 436, MedGen C0020630, MeSH D007014, MONDO:0018570.
Adult hypophosphatasia. Identifiers: Orphanet 247676, Orphanet 436, MedGen C0268413, MONDO:1010154, OMIM 146300, MONDO:0007798.
Childhood hypophosphatasia. Identifiers: Orphanet 247667, Orphanet 436, MedGen C0220743, MONDO:1010168, OMIM 241510, MONDO:0009428.
Infantile hypophosphatasia. Identifiers: Orphanet 247651, Orphanet 436, MedGen C0268412, MONDO:1010169, OMIM 241500, MONDO:0009427.

Allele frequency attached by ClinVar (database versions not stated): gnomAD exomes 0.00001.
gnomAD v4.1: 13 of 1,611,784 alleles (0.00081%); highest among the groups gnomAD compares: Non-Finnish European, 0.0011%; no homozygotes.

Submissions (7):

Genomenon, Inc
Classification: Pathogenic for Hypophosphatasia. Last evaluated: 2025-08-29. Review status: criteria provided, single submitter. Criteria: Genomenon Sequence Variant Interpretation Standards. Collection method: curation. Allele origin: germline. Affected: yes.
Comment: ALPL c.203C>T is a missense variant that changes the amino acid at residue 68 from Threonine to Methionine. This variant has been observed in at least one proband affected with hypophosphatasia (PMID:25731960;26432670;11760847;32811521;33093890;28436937;31760938). At least one functional study has demonstrated a substantial alteration in protein function relative to the wild-type (PMID:11760847;32160374;33093890). This variant is also reported as Thr51Met in the literature. It is absent or not present at a significant frequency in gnomAD. In silico models agree that this variant is possibly or probably damaging. In conclusion, we classify ALPL p.Thr68Met (c.203C>T) as a pathogenic variant.

Labcorp Genetics (formerly Invitae), Labcorp
Classification: Pathogenic. Last evaluated: 2025-03-05. Review status: criteria provided, single submitter. Criteria: Invitae Variant Classification Sherloc (09022015). Collection method: clinical testing. Allele origin: germline.
Comment: This sequence change replaces threonine, which is neutral and polar, with methionine, which is neutral and non-polar, at codon 68 of the ALPL protein (p.Thr68Met). This variant is not present in population databases (gnomAD no frequency). This missense change has been observed in individual(s) with hypophosphatasia (PMID: 11760847, 25731960, 26432670, 31760938). In at least one individual the data is consistent with being in trans (on the opposite chromosome) from a pathogenic variant. ClinVar contains an entry for this variant (Variation ID: 1076060). Invitae Evidence Modeling of protein sequence and biophysical properties (such as structural, functional, and spatial information, amino acid conservation, physicochemical variation, residue mobility, and thermodynamic stability) indicates that this missense variant is expected to disrupt ALPL protein function with a positive predictive value of 95%. For these reasons, this variant has been classified as Pathogenic.

Laboratory of Genetics, Children's Clinical University Hospital Latvia
Classification: Pathogenic. Last evaluated: 2025-02-16. Review status: criteria provided, single submitter. Criteria: ACMG Guidelines, 2015. Collection method: clinical testing. Allele origin: germline. Affected: yes.

Baylor Genetics
Classification: Pathogenic for Adult hypophosphatasia. Last evaluated: 2023-12-26. Review status: criteria provided, single submitter. Criteria: ACMG Guidelines, 2015. Collection method: clinical testing. Allele origin: unknown.

Women's Health and Genetics/Laboratory Corporation of America, LabCorp
Classification: Pathogenic for Hypophosphatasia. Last evaluated: 2023-11-19. Review status: criteria provided, single submitter. Criteria: LabCorp Variant Classification Summary - May 2015. Collection method: clinical testing. Allele origin: germline.
Comment: Variant summary: ALPL c.203C>T (p.Thr68Met) results in a non-conservative amino acid change in the homodimer interface domain (Del Angel_2020) encoded protein sequence. Five of five in-silico tools predict a damaging effect of the variant on protein function. The variant was absent in 246608 control chromosomes. c.203C>T has been widely reported in the literature as biallelic compound heterozygous and heterozygous genotypes in individuals affected with variable presentations ranging from infantile/lethal to adult onset Hypophosphatasia (example, summarized in Del Angel_2020). These data indicate that the variant is likely to be associated with disease. At least one publication reports experimental evidence evaluating an impact on protein function (Del Angel_2020). The most pronounced variant effect results in a very reduced ALPL enzyme activity relative to wild-type and a dominant negative effect in vitro. The following publication have been ascertained in the context of this evaluation (PMID: 32160374). Three submitters have cited clinical-significance assessments for this variant to ClinVar after 2014. All submitters classified the variant as pathogenic/likely pathogenic. Based on the evidence outlined above, the variant was classified as pathogenic.

GeneDx
Classification: Pathogenic. Last evaluated: 2022-04-29. Review status: criteria provided, single submitter. Criteria: GeneDx Variant Classification Process June 2021. Collection method: clinical testing. Allele origin: germline. Affected: yes.
Comment: Published functional studies demonstrate a damaging effect with low protein levels at the cell surface and low enzymatic activity compares to wild type protein, supporting loss of function for homozygous state and dominant-negative effect for heterozygous state (Huang et al., 2020; Del Angel et al., 2020); Not observed at significant frequency in large population cohorts (gnomAD); This variant is associated with the following publications: (PMID: 34662886, 11760847, 29236161, 25731960, 32160374, 26432670, 33093890, 31760938)

Fulgent Genetics
Classification: Likely pathogenic for Adult hypophosphatasia; Infantile hypophosphatasia; Childhood hypophosphatasia. Last evaluated: 2022-04-08. Review status: criteria provided, single submitter. Criteria: ACMG Guidelines, 2015. Collection method: clinical testing. Allele origin: unknown.

Literature cited by the submitters: PubMed 25731960 (cited by Genomenon, Inc and Labcorp Genetics (formerly Invitae), Labcorp); PubMed 26432670 (cited by Genomenon, Inc and Labcorp Genetics (formerly Invitae), Labcorp); PubMed 11760847 (cited by Genomenon, Inc and Labcorp Genetics (formerly Invitae), Labcorp); PubMed 32811521 (cited by Genomenon, Inc); PubMed 33093890 (cited by Genomenon, Inc); PubMed 28436937 (cited by Genomenon, Inc); PubMed 31760938 (cited by Genomenon, Inc and Labcorp Genetics (formerly Invitae), Labcorp); PubMed 32160374 (cited by Genomenon, Inc and Women's Health and Genetics/Laboratory Corporation of America, LabCorp).

NM_000478.6(ALPL):c.203C>T (p.Thr68Met)

Gene: ALPL (alkaline phosphatase, biomineralization associated; plus strand). Cytogenetic location: 1p36.12.
Variant type: single nucleotide variant.
Coding change: c.203C>T on transcript NM_000478.6 (MANE Select); coding-DNA position 203, C replaced by T.
Protein change: p.Thr68Met; replaces threonine 68 with methionine.
Molecular consequence: missense variant. On other transcripts: intron variant (1).
Genome position (GRCh38, 1-based): chr1:21,561,118, C>T. VCF-style: chr1-21561118-C-T. GRCh37 (hg19) VCF-style: chr1-21887611-C-T.
Other names: c.38C>T, p.Thr13Met (NM_001127501.4); c.203C>T, p.Thr68Met (NM_001369803.2, NM_001369804.2, NM_001369805.2); c.66+373C>T (NM_001177520.3); short protein forms T13M, T68M.
Identifiers: ClinVar variation 1076060 (VCV001076060.16), dbSNP rs1644478533, ClinGen allele CA338877904.